The following is an entry in ClinVar:

ClinVar aggregate classification (germline): Likely benign. Review status: criteria provided, multiple submitters, no conflicts (2 of 4 stars). 2 submissions from 2 submitters: Likely benign (2). Last evaluated 2024-08-13.

Allele frequency attached by ClinVar (database versions not stated): ExAC 0.00002.
gnomAD v4.1: 29 of 1,614,026 alleles (0.0018%); highest among the groups gnomAD compares: African/African-American, 0.019%; no homozygotes.

Submissions (2):

Labcorp Genetics (formerly Invitae), Labcorp
Classification: Likely benign. Last evaluated: 2024-08-13. Review status: criteria provided, single submitter. Criteria: Invitae Variant Classification Sherloc (09022015). Collection method: clinical testing. Allele origin: germline.

CeGaT Center for Human Genetics Tuebingen
Classification: Likely benign. Last evaluated: 2023-06-01. Review status: criteria provided, single submitter. Criteria: CeGaT Center For Human Genetics Tuebingen Variant Classification Criteria Version 2. Collection method: clinical testing. Allele origin: germline. Affected: yes. Observed: 1 variant allele.
Comment: SHPK: BP4, BP7

NM_013276.4(SHPK):c.711G>C (p.Ala237=)

Gene: SHPK (sedoheptulokinase; minus strand). Cytogenetic location: 17p13.2.
Variant type: single nucleotide variant.
Coding change: c.711G>C on transcript NM_013276.4 (MANE Select); coding-DNA position 711, G replaced by C.
Protein change: p.Ala237=; no amino-acid change (alanine 237 retained).
Molecular consequence: synonymous variant.
Genome position (GRCh38, 1-based): chr17:3,621,349, C>G on the plus strand (G>C on the coding strand, the complement: SHPK is on the minus strand). VCF-style: chr17-3621349-C-G. GRCh37 (hg19) VCF-style: chr17-3524643-C-G.
Identifiers: ClinVar variation 2647235 (VCV002647235.26), dbSNP rs552100734, ClinGen allele CA8291227.